The following is an entry in ClinVar:

NM_015378.4(VPS13D):c.1165C>T (p.Arg389Cys)

Gene: VPS13D (vacuolar protein sorting 13 homolog D; plus strand). Cytogenetic location: 1p36.22.
Variant type: single nucleotide variant.
Coding change: c.1165C>T on transcript NM_015378.4 (MANE Select); coding-DNA position 1165, C replaced by T.
Protein change: p.Arg389Cys; replaces arginine 389 with cysteine.
Molecular consequence: missense variant.
Genome position (GRCh38, 1-based): chr1:12,260,747, C>T. VCF-style: chr1-12260747-C-T. GRCh37 (hg19) VCF-style: chr1-12320804-C-T.
Other names: c.1165C>T, p.Arg389Cys (NM_018156.4); c.1165C>T (NM_015378.3); short protein forms R389C.
Identifiers: ClinVar variation 2143448 (VCV002143448.4), dbSNP rs768737006, ClinGen allele CA601443.
Genomic context (GRCh38, chr1:12,260,747, plus strand): 5'-AAACAGGAGGAAATGTGTCGGATTGAAGAGGAACAGAGCTTTGAGGAATTGAAGATTTTG[C>T]GTGAACTGGTTCATGATCGATTTCACAAACAGGAAGAACTAGCAGAGGTAAGAAATCCTC-3'
Protein context (NP_056193.2, residues 379-399): EQSFEELKIL[Arg389Cys]ELVHDRFHKQ

ClinVar aggregate classification (germline): Uncertain significance. Review status: criteria provided, multiple submitters, no conflicts (2 of 4 stars). 2 submissions from 2 submitters: Uncertain significance (2). Last evaluated 2025-12-20.

Allele frequency attached by ClinVar (database versions not stated): gnomAD 0.00001.
gnomAD v4.1: 36 of 1,614,088 alleles (0.0022%); highest among the groups gnomAD compares: Admixed American, 0.0083%; no homozygotes.

Submissions (2):

Labcorp Genetics (formerly Invitae), Labcorp
Classification: Uncertain significance. Last evaluated: 2025-12-20. Review status: criteria provided, single submitter. Criteria: Invitae Variant Classification Sherloc (09022015). Collection method: clinical testing. Allele origin: germline.
Comment: This sequence change replaces arginine, which is basic and polar, with cysteine, which is neutral and slightly polar, at codon 389 of the VPS13D protein (p.Arg389Cys). This variant is present in population databases (rs768737006, gnomAD 0.003%). This variant has not been reported in the literature in individuals affected with VPS13D-related conditions. ClinVar contains an entry for this variant (Variation ID: 2143448). Invitae Evidence Modeling of protein sequence and biophysical properties (such as structural, functional, and spatial information, amino acid conservation, physicochemical variation, residue mobility, and thermodynamic stability) indicates that this missense variant is not expected to disrupt VPS13D protein function with a negative predictive value of 80%. In summary, the available evidence is currently insufficient to determine the role of this variant in disease. Therefore, it has been classified as a Variant of Uncertain Significance.

GeneDx
Classification: Uncertain significance. Last evaluated: 2024-03-25. Review status: criteria provided, single submitter. Criteria: GeneDx Variant Classification Process June 2021. Collection method: clinical testing. Allele origin: germline. Affected: yes.
Comment: In silico analysis supports that this missense variant has a deleterious effect on protein structure/function; Has not been previously published as pathogenic or benign to our knowledge